The following is an entry in ClinVar:

NM_000944.5(PPP3CA):c.1070T>C (p.Val357Ala)

Gene: PPP3CA (protein phosphatase 3 catalytic subunit alpha; minus strand). Cytogenetic location: 4q24.
Variant type: single nucleotide variant.
Coding change: c.1070T>C on transcript NM_000944.5 (MANE Select); coding-DNA position 1070, T replaced by C.
Protein change: p.Val357Ala; replaces valine 357 with alanine.
Molecular consequence: missense variant. On other transcripts: intron variant (1).
Genome position (GRCh38, 1-based): chr4:101,063,243, A>G on the plus strand (T>C on the coding strand, the complement: PPP3CA is on the minus strand). VCF-style: chr4-101063243-A-G. GRCh37 (hg19) VCF-style: chr4-101984400-A-G.
Other names: c.1070T>C, p.Val357Ala (NM_001130691.2); c.956-2082T>C (NM_001130692.2); short protein forms V357A.
Identifiers: ClinVar variation 1717503 (VCV001717503.5), dbSNP rs2476262544, ClinGen allele CA357948777.

ClinVar aggregate classification (germline): Uncertain significance (1 of 4 stars; one submission).

Allele frequency attached by ClinVar (database versions not stated): gnomAD exomes below 0.00001.
gnomAD v4.1: 6 of 1,610,866 alleles (0.00037%); highest among the groups gnomAD compares: Non-Finnish European, 0.00051%; no homozygotes.

Submission:

Labcorp Genetics (formerly Invitae), Labcorp
Classification: Uncertain significance. Last evaluated: 2022-09-17. Review status: criteria provided, single submitter. Criteria: Invitae Variant Classification Sherloc (09022015). Collection method: clinical testing. Allele origin: germline.
Comment: In summary, the available evidence is currently insufficient to determine the role of this variant in disease. Therefore, it has been classified as a Variant of Uncertain Significance. Advanced modeling of protein sequence and biophysical properties (such as structural, functional, and spatial information, amino acid conservation, physicochemical variation, residue mobility, and thermodynamic stability) performed at Invitae indicates that this missense variant is expected to disrupt PPP3CA protein function. This variant has not been reported in the literature in individuals affected with PPP3CA-related conditions. This variant is not present in population databases (gnomAD no frequency). This sequence change replaces valine, which is neutral and non-polar, with alanine, which is neutral and non-polar, at codon 357 of the PPP3CA protein (p.Val357Ala).